The following is an entry in ClinVar:

NM_018975.4(TERF2IP):c.179G>A (p.Gly60Glu)

Gene: TERF2IP (TERF2 interacting protein; plus strand). Cytogenetic location: 16q23.1.
Variant type: single nucleotide variant.
Coding change: c.179G>A on transcript NM_018975.4 (MANE Select); coding-DNA position 179, G replaced by A.
Protein change: p.Gly60Glu; replaces glycine 60 with glutamic acid.
Molecular consequence: missense variant. On other transcripts: non-coding transcript variant (1).
Genome position (GRCh38, 1-based): chr16:75,648,061, G>A. VCF-style: chr16-75648061-G-A. GRCh37 (hg19) VCF-style: chr16-75681959-G-A.
Other names: short protein forms G60E.
Identifiers: ClinVar variation 3682702 (VCV003682702.2).

ClinVar aggregate classification (germline): Uncertain significance (1 of 4 stars; one submission).

gnomAD v4.1: 3 of 1,592,460 alleles (0.00019%); highest among the groups gnomAD compares: Admixed American, 0.0018%; no homozygotes.

Submission:

Labcorp Genetics (formerly Invitae), Labcorp
Classification: Uncertain significance. Last evaluated: 2024-11-23. Review status: criteria provided, single submitter. Criteria: Invitae Variant Classification Sherloc (09022015). Collection method: clinical testing. Allele origin: germline.
Comment: This sequence change replaces glycine, which is neutral and non-polar, with glutamic acid, which is acidic and polar, at codon 60 of the TERF2IP protein (p.Gly60Glu). This variant is present in population databases (no rsID available, gnomAD 0.003%). This variant has not been reported in the literature in individuals affected with TERF2IP-related conditions. An algorithm developed to predict the effect of missense changes on protein structure and function outputs the following: PolyPhen-2: "Possibly Damaging". The glutamic acid amino acid residue is found in multiple mammalian species, which suggests that this missense change does not adversely affect protein function. In summary, the available evidence is currently insufficient to determine the role of this variant in disease. Therefore, it has been classified as a Variant of Uncertain Significance.